The following is an entry in ClinVar:

ClinVar aggregate classification (germline): Uncertain significance (1 of 4 stars; one submission).

Conditions:
Idiopathic generalized epilepsy. Also called: Generalised epilepsy; EIG. Identifiers: MedGen C0270850, MONDO:0005579, OMIM 600669.
Hyperaldosteronism, familial, type IV (HALD4). Also called: FH IV; ALDOSTERONISM, PRIMARY, AND HYPERTENSION. Identifiers: Orphanet 642671, MedGen C4310756, MONDO:0014875, OMIM 617027.

Submission:

Labcorp Genetics (formerly Invitae), Labcorp
Classification: Uncertain significance for Idiopathic generalized epilepsy; Hyperaldosteronism, familial, type IV. Last evaluated: 2024-11-11. Review status: criteria provided, single submitter. Criteria: Invitae Variant Classification Sherloc (09022015). Collection method: clinical testing. Allele origin: germline.
Comment: This sequence change replaces cysteine, which is neutral and slightly polar, with tryptophan, which is neutral and slightly polar, at codon 1250 of the CACNA1H protein (p.Cys1250Trp). This variant is not present in population databases (gnomAD no frequency). This variant has not been reported in the literature in individuals affected with CACNA1H-related conditions. ClinVar contains an entry for this variant (Variation ID: 1512866). Invitae Evidence Modeling of protein sequence and biophysical properties (such as structural, functional, and spatial information, amino acid conservation, physicochemical variation, residue mobility, and thermodynamic stability) indicates that this missense variant is not expected to disrupt CACNA1H protein function with a negative predictive value of 80%. In summary, the available evidence is currently insufficient to determine the role of this variant in disease. Therefore, it has been classified as a Variant of Uncertain Significance.

NM_021098.3(CACNA1H):c.3750C>G (p.Cys1250Trp)

Gene: CACNA1H (calcium voltage-gated channel subunit alpha1 H; plus strand). Cytogenetic location: 16p13.3.
Variant type: single nucleotide variant.
Coding change: c.3750C>G on transcript NM_021098.3 (MANE Select); coding-DNA position 3750, C replaced by G.
Protein change: p.Cys1250Trp; replaces cysteine 1250 with tryptophan.
Molecular consequence: missense variant.
Genome position (GRCh38, 1-based): chr16:1,210,040, C>G. VCF-style: chr16-1210040-C-G. GRCh37 (hg19) VCF-style: chr16-1260040-C-G.
Other names: c.3750C>G, p.Cys1250Trp (NM_001005407.2); short protein forms C1250W.
Identifiers: ClinVar variation 1512866 (VCV001512866.8), dbSNP rs761298608, ClinGen allele CA394175350.
Genomic context (GRCh38, chr16:1,210,040, plus strand): 5'-TGGGGGGCCGGGCAGGCAGGCGCAGGCTCTGAGAAGCCGCCGCCTCATCCCACAGAGCTG[C>G]TGCCTCCGCCTGCATAAAGTGCTGGAGCCCTACAAGCCCCAGTGGTGCCGGAGCCGCGAG-3'
Protein context (NP_066921.2, residues 1240-1260): AELDDDSEDS[Cys1250Trp]CLRLHKVLEP